The following is an entry in ClinVar:

NM_003482.4(KMT2D):c.585C>A (p.Phe195Leu)

Gene: KMT2D (lysine methyltransferase 2D; minus strand). Cytogenetic location: 12q13.12.
Variant type: single nucleotide variant.
Coding change: c.585C>A on transcript NM_003482.4 (MANE Select); coding-DNA position 585, C replaced by A.
Protein change: p.Phe195Leu; replaces phenylalanine 195 with leucine.
Molecular consequence: missense variant.
Genome position (GRCh38, 1-based): chr12:49,054,066, G>T on the plus strand (C>A on the coding strand, the complement: KMT2D is on the minus strand). VCF-style: chr12-49054066-G-T. GRCh37 (hg19) VCF-style: chr12-49447849-G-T.
Other names: short protein forms F195L.
Identifiers: ClinVar variation 2166334 (VCV002166334.4), dbSNP rs778489743, ClinGen allele CA384685441.

ClinVar aggregate classification (germline): Uncertain significance (1 of 4 stars; one submission).

Conditions:
Kabuki syndrome. Also called: Kabuki make-up syndrome; NIIKAWA-KUROKI SYNDROME. Identifiers: Orphanet 2322, MedGen C0796004, MONDO:0016512.

Submission:

Labcorp Genetics (formerly Invitae), Labcorp
Classification: Uncertain significance for Kabuki syndrome. Last evaluated: 2022-08-22. Review status: criteria provided, single submitter. Criteria: Invitae Variant Classification Sherloc (09022015). Collection method: clinical testing. Allele origin: germline.
Comment: This variant is not present in population databases (gnomAD no frequency). This sequence change replaces phenylalanine, which is neutral and non-polar, with leucine, which is neutral and non-polar, at codon 195 of the KMT2D protein (p.Phe195Leu). This variant has not been reported in the literature in individuals affected with KMT2D-related conditions. In summary, the available evidence is currently insufficient to determine the role of this variant in disease. Therefore, it has been classified as a Variant of Uncertain Significance. Advanced modeling of protein sequence and biophysical properties (such as structural, functional, and spatial information, amino acid conservation, physicochemical variation, residue mobility, and thermodynamic stability) performed at Invitae indicates that this missense variant is not expected to disrupt KMT2D protein function.